The following is an entry in ClinVar:

ClinVar aggregate classification (germline): Uncertain significance (1 of 4 stars; one submission).

Conditions:
Developmental and epileptic encephalopathy, 30 (DEE30). Also called: Epileptic encephalopathy, early infantile, 30. Identifiers: MedGen C4225360, MONDO:0014595, OMIM 616341.

Submission:

Labcorp Genetics (formerly Invitae), Labcorp
Classification: Uncertain significance for Developmental and epileptic encephalopathy, 30. Last evaluated: 2025-02-07. Review status: criteria provided, single submitter. Criteria: Invitae Variant Classification Sherloc (09022015). Collection method: clinical testing. Allele origin: germline.
Comment: This sequence change replaces arginine, which is basic and polar, with leucine, which is neutral and non-polar, at codon 645 of the SIK1 protein (p.Arg645Leu). This variant is not present in population databases (gnomAD no frequency). This variant has not been reported in the literature in individuals affected with SIK1-related conditions. Invitae Evidence Modeling of protein sequence and biophysical properties (such as structural, functional, and spatial information, amino acid conservation, physicochemical variation, residue mobility, and thermodynamic stability) indicates that this missense variant is not expected to disrupt SIK1 protein function with a negative predictive value of 95%. In summary, the available evidence is currently insufficient to determine the role of this variant in disease. Therefore, it has been classified as a Variant of Uncertain Significance.

NM_173354.5(SIK1):c.1934G>T (p.Arg645Leu)

Gene: SIK1 (salt inducible kinase 1; minus strand). Cytogenetic location: 21q22.3.
Variant type: single nucleotide variant.
Coding change: c.1934G>T on transcript NM_173354.5 (MANE Select); coding-DNA position 1934, G replaced by T.
Protein change: p.Arg645Leu; replaces arginine 645 with leucine.
Molecular consequence: missense variant.
Genome position (GRCh38, 1-based): chr21:43,417,585, C>A on the plus strand (G>T on the coding strand, the complement: SIK1 is on the minus strand). VCF-style: chr21-43417585-C-A. GRCh37 (hg19) VCF-style: chr21-44837465-C-A.
Other names: short protein forms R645L.
Identifiers: ClinVar variation 4803221 (VCV004803221.1).